The following is an entry in ClinVar:

ClinVar aggregate classification (germline): Uncertain significance (1 of 4 stars; one submission).

Conditions:
BAP1-related tumor predisposition syndrome (TPDS1). Also called: BAP1 tumor predisposition syndrome; TUMOR PREDISPOSITION SYNDROME 1; Tumor susceptibility linked to germline BAP1 mutations; COMMON Syndrome. Identifiers: Orphanet 289539, MedGen C3280492, MONDO:0013692, OMIM 614327.

Submission:

Labcorp Genetics (formerly Invitae), Labcorp
Classification: Uncertain significance for BAP1-related tumor predisposition syndrome. Last evaluated: 2022-08-29. Review status: criteria provided, single submitter. Criteria: Invitae Variant Classification Sherloc (09022015). Collection method: clinical testing. Allele origin: germline.
Comment: This variant has not been reported in the literature in individuals affected with BAP1-related conditions. This variant is not present in population databases (gnomAD no frequency). This sequence change replaces lysine, which is basic and polar, with asparagine, which is neutral and polar, at codon 421 of the BAP1 protein (p.Lys421Asn). In summary, the available evidence is currently insufficient to determine the role of this variant in disease. Therefore, it has been classified as a Variant of Uncertain Significance. Algorithms developed to predict the effect of missense changes on protein structure and function are either unavailable or do not agree on the potential impact of this missense change (SIFT: "Deleterious"; PolyPhen-2: "Possibly Damaging"; Align-GVGD: "Class C0").

NM_004656.4(BAP1):c.1263G>T (p.Lys421Asn)

Gene: BAP1 (BRCA1 associated deubiquitinase 1; minus strand). Cytogenetic location: 3p21.1.
Variant type: single nucleotide variant.
Coding change: c.1263G>T on transcript NM_004656.4 (MANE Select); coding-DNA position 1263, G replaced by T.
Protein change: p.Lys421Asn; replaces lysine 421 with asparagine.
Molecular consequence: missense variant.
Genome position (GRCh38, 1-based): chr3:52,403,882, C>A on the plus strand (G>T on the coding strand, the complement: BAP1 is on the minus strand). VCF-style: chr3-52403882-C-A. GRCh37 (hg19) VCF-style: chr3-52437898-C-A.
Other names: c.1209G>T, p.Lys403Asn (NM_001410772.1); short protein forms K403N, K421N.
Identifiers: ClinVar variation 1718104 (VCV001718104.6), dbSNP rs2153226770, ClinGen allele CA353102482.